The following is an entry in ClinVar:

ClinVar aggregate classification (germline): Uncertain significance (1 of 4 stars; one submission).

Conditions:
Inborn genetic diseases. Identifiers: MedGen C0950123, MeSH D030342.

Submission:

Ambry Genetics
Classification: Uncertain significance for Inborn genetic diseases. Last evaluated: 2025-08-03. Review status: criteria provided, single submitter. Criteria: Ambry Variant Classification Scheme 2023. Collection method: clinical testing. Allele origin: germline.
Comment: The p.C289W variant (also known as c.867T>G), located in coding exon 4 of the LTBP3 gene, results from a T to G substitution at nucleotide position 867. The cysteine at codon 289 is replaced by tryptophan, an amino acid with highly dissimilar properties. This amino acid position is conserved. In addition, this alteration is predicted to be deleterious by in silico analysis. Based on the available evidence, the clinical significance of this variant remains unclear.

NM_001130144.3(LTBP3):c.867T>G (p.Cys289Trp)

Gene: LTBP3 (latent transforming growth factor beta binding protein 3; minus strand). Cytogenetic location: 11q13.1.
Variant type: single nucleotide variant.
Coding change: c.867T>G on transcript NM_001130144.3 (MANE Select); coding-DNA position 867, T replaced by G.
Protein change: p.Cys289Trp; replaces cysteine 289 with tryptophan.
Molecular consequence: missense variant.
Genome position (GRCh38, 1-based): chr11:65,553,528, A>C on the plus strand (T>G on the coding strand, the complement: LTBP3 is on the minus strand). VCF-style: chr11-65553528-A-C. GRCh37 (hg19) VCF-style: chr11-65320999-A-C.
Other names: c.516T>G, p.Cys172Trp (NM_001164266.1); c.867T>G, p.Cys289Trp (NM_021070.4); short protein forms C289W, C172W.
Identifiers: ClinVar variation 4101314 (VCV004101314.1).
Genomic context (GRCh38, chr11:65,553,528, plus strand): 5'-AGTGCCGATGCTACCGCAGCAGTCTTCCTGCTTGGTGAGGCCGGGGAGGGGGTTGCTGCC[A>C]CACTAGGGGAAGGAGGGGGAGGTGGGGTCACAGAGCACCCCGCCCCGGTGCCGCCTGTTA-3'
Protein context (NP_001123616.1, residues 279-299): CFQDTLPKQP[Cys289Trp]GSNPLPGLTK